The following is an entry in ClinVar:

ClinVar aggregate classification (germline): Uncertain significance (1 of 4 stars; one submission).

Conditions:
Ehlers-Danlos syndrome, kyphoscoliotic type 1 (EDSKSCL1). Also called: EHLERS-DANLOS SYNDROME, TYPE VIA; EHLERS-DANLOS SYNDROME, OCULAR-SCOLIOTIC TYPE; PLOD1-Related Kyphoscoliotic Ehlers-Danlos Syndrome; Ehlers-Danlos syndrome, hydroxylysine-deficient. Identifiers: Orphanet 1900, MedGen C0268342, MONDO:0016002, OMIM 225400. Disease mechanism: loss of function.

Submission:

Labcorp Genetics (formerly Invitae), Labcorp
Classification: Uncertain significance for Ehlers-Danlos syndrome, kyphoscoliotic type 1. Last evaluated: 2022-02-21. Review status: criteria provided, single submitter. Criteria: Invitae Variant Classification Sherloc (09022015). Collection method: clinical testing. Allele origin: germline.
Comment: This sequence change replaces aspartic acid, which is acidic and polar, with glycine, which is neutral and non-polar, at codon 21 of the PLOD1 protein (p.Asp21Gly). This variant is not present in population databases (gnomAD no frequency). This variant has not been reported in the literature in individuals affected with PLOD1-related conditions. Algorithms developed to predict the effect of missense changes on protein structure and function (SIFT, PolyPhen-2, Align-GVGD) all suggest that this variant is likely to be tolerated. In summary, the available evidence is currently insufficient to determine the role of this variant in disease. Therefore, it has been classified as a Variant of Uncertain Significance.

NM_000302.4(PLOD1):c.62A>G (p.Asp21Gly)

Gene: PLOD1 (procollagen-lysine,2-oxoglutarate 5-dioxygenase 1; plus strand). Cytogenetic location: 1p36.22.
Variant type: single nucleotide variant.
Coding change: c.62A>G on transcript NM_000302.4 (MANE Select); coding-DNA position 62, A replaced by G.
Protein change: p.Asp21Gly; replaces aspartic acid 21 with glycine.
Molecular consequence: missense variant.
Genome position (GRCh38, 1-based): chr1:11,934,841, A>G. VCF-style: chr1-11934841-A-G. GRCh37 (hg19) VCF-style: chr1-11994898-A-G.
Other names: c.62A>G, p.Asp21Gly (NM_001316320.2); short protein forms D21G.
Identifiers: ClinVar variation 2100839 (VCV002100839.1), dbSNP rs2522756779, ClinGen allele CA338422845.